The following is an entry in ClinVar:

NM_001844.5(COL2A1):c.643G>A (p.Ala215Thr)

Gene: COL2A1 (collagen type II alpha 1 chain; minus strand). Cytogenetic location: 12q13.11.
Variant type: single nucleotide variant.
Coding change: c.643G>A on transcript NM_001844.5 (MANE Select); coding-DNA position 643, G replaced by A.
Protein change: p.Ala215Thr; replaces alanine 215 with threonine.
Molecular consequence: missense variant.
Genome position (GRCh38, 1-based): chr12:47,995,886, C>T on the plus strand (G>A on the coding strand, the complement: COL2A1 is on the minus strand). VCF-style: chr12-47995886-C-T. GRCh37 (hg19) VCF-style: chr12-48389669-C-T.
Other names: c.436G>A, p.Ala146Thr (NM_033150.3); c.643G>A (NM_001844.4); short protein forms A215T, A146T.
Identifiers: ClinVar variation 2069075 (VCV002069075.6), dbSNP rs887129196, ClinGen allele CA236491737.

ClinVar aggregate classification (germline): Uncertain significance. Review status: criteria provided, multiple submitters, no conflicts (2 of 4 stars). 3 submissions from 3 submitters: Uncertain significance (3). Last evaluated 2025-02-04.

Allele frequency attached by ClinVar (database versions not stated): gnomAD exomes below 0.00001; TOPMed below 0.00001; gnomAD 0.00001.
gnomAD v4.1: 2 of 1,613,488 alleles (0.00012%); highest among the groups gnomAD compares: African/African-American, 0.0013%; no homozygotes.

Submissions (3):

GeneDx
Classification: Uncertain significance. Last evaluated: 2025-02-04. Review status: criteria provided, single submitter. Criteria: GeneDx Variant Classification Process June 2021. Collection method: clinical testing. Allele origin: germline. Affected: yes.
Comment: Not observed at significant frequency in large population cohorts (gnomAD); In silico analysis indicates that this missense variant does not alter protein structure/function; Has not been previously published as pathogenic or benign to our knowledge; Occurs in the triple helical domain at the Y position in the canonical Gly-X-Y repeat; although this variant may have an effect on normal protein folding and function, missense substitution at the Y position is not a common mechanism of disease (HGMD)

Labcorp Genetics (formerly Invitae), Labcorp
Classification: Uncertain significance. Last evaluated: 2024-11-10. Review status: criteria provided, single submitter. Criteria: Invitae Variant Classification Sherloc (09022015). Collection method: clinical testing. Allele origin: germline.
Comment: This sequence change replaces alanine, which is neutral and non-polar, with threonine, which is neutral and polar, at codon 215 of the COL2A1 protein (p.Ala215Thr). This variant is not present in population databases (gnomAD no frequency). This variant has not been reported in the literature in individuals affected with COL2A1-related conditions. ClinVar contains an entry for this variant (Variation ID: 2069075). Invitae Evidence Modeling of protein sequence and biophysical properties (such as structural, functional, and spatial information, amino acid conservation, physicochemical variation, residue mobility, and thermodynamic stability) indicates that this missense variant is not expected to disrupt COL2A1 protein function with a negative predictive value of 95%. In summary, the available evidence is currently insufficient to determine the role of this variant in disease. Therefore, it has been classified as a Variant of Uncertain Significance.

Blueprint Genetics
Classification: Uncertain significance. Last evaluated: 2020-03-06. Review status: criteria provided, single submitter. Criteria: ACMG Guidelines, 2015. Collection method: clinical testing. Allele origin: germline.